The following is an entry in ClinVar:

NM_020745.4(AARS2):c.25G>A (p.Ala9Thr)

Gene: AARS2 (alanyl-tRNA synthetase 2, mitochondrial; minus strand). Cytogenetic location: 6p21.1.
Variant type: single nucleotide variant.
Coding change: c.25G>A on transcript NM_020745.4 (MANE Select); coding-DNA position 25, G replaced by A.
Protein change: p.Ala9Thr; replaces alanine 9 with threonine.
Molecular consequence: missense variant.
Genome position (GRCh38, 1-based): chr6:44,313,299, C>T on the plus strand (G>A on the coding strand, the complement: AARS2 is on the minus strand). VCF-style: chr6-44313299-C-T. GRCh37 (hg19) VCF-style: chr6-44281036-C-T.
Other names: c.25G>A (NM_020745.2); short protein forms A9T.
Identifiers: ClinVar variation 357083 (VCV000357083.8), dbSNP rs537231845, ClinGen allele CA3834759.

ClinVar aggregate classification (germline): Uncertain significance. Review status: criteria provided, multiple submitters, no conflicts (2 of 4 stars). 3 submissions from 3 submitters: Uncertain significance (3). Last evaluated 2023-04-11.

Conditions:
Combined oxidative phosphorylation defect type 8. Also called: CARDIOMYOPATHY, HYPERTROPHIC MITOCHONDRIAL, FATAL INFANTILE. Identifiers: Orphanet 319504, MedGen C4518839, MONDO:0013570, OMIM 614096.
Inborn genetic diseases. Identifiers: MedGen C0950123, MeSH D030342.

Allele frequency attached by ClinVar (database versions not stated): TOPMed 0.00003.
gnomAD v4.1: 96 of 1,599,764 alleles (0.006%); highest among the groups gnomAD compares: Non-Finnish European, 0.0076%; no homozygotes.

Submissions (3):

GeneDx
Classification: Uncertain significance. Last evaluated: 2023-04-11. Review status: criteria provided, single submitter. Criteria: GeneDx Variant Classification Process June 2021. Collection method: clinical testing. Allele origin: germline. Affected: yes.
Comment: In silico analysis supports that this missense variant does not alter protein structure/function; Has not been previously published as pathogenic or benign to our knowledge

Ambry Genetics
Classification: Uncertain significance for Inborn genetic diseases. Last evaluated: 2021-04-20. Review status: criteria provided, single submitter. Criteria: Ambry Variant Classification Scheme 2023. Collection method: clinical testing. Allele origin: germline.

Illumina Laboratory Services, Illumina
Classification: Uncertain significance for Combined oxidative phosphorylation defect type 8. Last evaluated: 2018-01-13. Review status: criteria provided, single submitter. Criteria: ICSL Variant Classification Criteria 13 December 2019. Collection method: clinical testing. Allele origin: germline.